The following is an entry in ClinVar:

ClinVar aggregate classification (germline): Uncertain significance. Review status: criteria provided, multiple submitters, no conflicts (2 of 4 stars). 3 submissions from 3 submitters: Uncertain significance (3). Last evaluated 2025-10-14.

Conditions:
Hereditary nonpolyposis colorectal neoplasms. Identifiers: MedGen C0009405, MeSH D003123.
Hereditary cancer-predisposing syndrome. Also called: Neoplastic Syndromes, Hereditary; Tumor predisposition; Hereditary Cancer Syndrome; Hereditary neoplastic syndrome. Identifiers: Orphanet 140162, MedGen C0027672, MeSH D009386, MONDO:0015356.
Lynch syndrome. Identifiers: Orphanet 144, MedGen C4552100, MONDO:0005835. Disease mechanism: loss of function.

Submissions (3):

Ambry Genetics
Classification: Uncertain significance for Hereditary cancer-predisposing syndrome. Last evaluated: 2025-10-14. Review status: criteria provided, single submitter. Criteria: Ambry Variant Classification Scheme 2023. Collection method: clinical testing. Allele origin: germline.
Comment: The p.E744D variant (also known as c.2232G>T), located in coding exon 4 of the MSH6 gene, results from a G to T substitution at nucleotide position 2232. The glutamic acid at codon 744 is replaced by aspartic acid, an amino acid with highly similar properties. This amino acid position is highly conserved in available vertebrate species. In addition, this alteration is predicted to be deleterious by in silico analysis. Based on the available evidence, the clinical significance of this variant remains unclear.

Labcorp Genetics (formerly Invitae), Labcorp
Classification: Uncertain significance for Hereditary nonpolyposis colorectal neoplasms. Last evaluated: 2025-08-21. Review status: criteria provided, single submitter. Criteria: Invitae Variant Classification Sherloc (09022015). Collection method: clinical testing. Allele origin: germline.
Comment: This sequence change replaces glutamic acid, which is acidic and polar, with aspartic acid, which is acidic and polar, at codon 744 of the MSH6 protein (p.Glu744Asp). This variant is not present in population databases (gnomAD no frequency). This variant has not been reported in the literature in individuals affected with MSH6-related conditions. ClinVar contains an entry for this variant (Variation ID: 1788142). Invitae Evidence Modeling of protein sequence and biophysical properties (such as structural, functional, and spatial information, amino acid conservation, physicochemical variation, residue mobility, and thermodynamic stability) indicates that this missense variant is not expected to disrupt MSH6 protein function with a negative predictive value of 95%. In summary, the available evidence is currently insufficient to determine the role of this variant in disease. Therefore, it has been classified as a Variant of Uncertain Significance.

All of Us Research Program, National Institutes of Health
Classification: Uncertain significance for Lynch syndrome. Last evaluated: 2024-02-05. Review status: criteria provided, single submitter. Criteria: ACMG Guidelines, 2015. Collection method: clinical testing. Allele origin: germline. Inheritance: Autosomal dominant inheritance. Observed: 1 variant allele, 1 heterozygote.
Comment: This missense variant replaces glutamic acid with aspartic acid at codon 744 of the MSH6 protein. Computational prediction is inconclusive regarding the impact of this variant on protein structure and function (internally defined REVEL score threshold 0.5 < inconclusive < 0.7, PMID: 27666373). To our knowledge, functional studies have not been reported for this variant. This variant has not been reported in individuals affected with MSH6-related disorders in the literature. This variant has not been identified in the general population by the Genome Aggregation Database (gnomAD). The available evidence is insufficient to determine the role of this variant in disease conclusively. Therefore, this variant is classified as a Variant of Uncertain Significance.

This study involves interpretation of variants in research participants for the purpose of population health screening. Participant phenotype was not available at the time of variant classification. Additional details can be found in publication PMID: 35346344, PMCID: PMC8962531

NM_000179.3(MSH6):c.2232G>T (p.Glu744Asp)

Gene: MSH6 (mutS homolog 6; plus strand). Cytogenetic location: 2p16.3.
Variant type: single nucleotide variant.
Coding change: c.2232G>T on transcript NM_000179.3 (MANE Select); coding-DNA position 2232, G replaced by T.
Protein change: p.Glu744Asp; replaces glutamic acid 744 with aspartic acid.
Molecular consequence: missense variant.
Genome position (GRCh38, 1-based): chr2:47,800,215, G>T. VCF-style: chr2-47800215-G-T. GRCh37 (hg19) VCF-style: chr2-48027354-G-T.
Other names: c.1842G>T, p.Glu614Asp (NM_001281492.2); c.1326G>T, p.Glu442Asp (NM_001281493.2, NM_001281494.2, NM_001406811.1 and 6 more transcripts); c.2328G>T, p.Glu776Asp (NM_001406795.1, NM_001406802.1); c.2232G>T, p.Glu744Asp (NM_001406796.1, NM_001406798.1, NM_001406800.1 and 3 more transcripts); c.1935G>T, p.Glu645Asp (NM_001406797.1, NM_001406801.1, NM_001406805.1 and 10 more transcripts); c.1707G>T, p.Glu569Asp (NM_001406799.1, NM_001406806.1, NM_001406807.1); c.2154G>T, p.Glu718Asp (NM_001406804.1); c.2238G>T, p.Glu746Asp (NM_001406813.1); and 1 more; short protein forms E442D, E718D, E614D, E746D, E569D, E645D, E688D, E744D.
Identifiers: ClinVar variation 1788142 (VCV001788142.9), dbSNP rs2104395465, ClinGen allele CA346752527.